The following is an entry in ClinVar:

ClinVar aggregate classification (germline): Uncertain significance (1 of 4 stars; one submission).

Conditions:
Cardiovascular phenotype. Identifiers: MedGen CN230736.

Submission:

Ambry Genetics
Classification: Uncertain significance for Cardiovascular phenotype. Last evaluated: 2022-02-11. Review status: criteria provided, single submitter. Criteria: Ambry Variant Classification Scheme 2023. Collection method: clinical testing. Allele origin: germline.
Comment: The p.T660A variant (also known as c.1978A>G), located in coding exon 8 of the ALMS1 gene, results from an A to G substitution at nucleotide position 1978. The threonine at codon 660 is replaced by alanine, an amino acid with similar properties. This amino acid position is well conserved in available vertebrate species. In addition, this alteration is predicted to be tolerated by in silico analysis. Since supporting evidence is limited at this time, the clinical significance of this alteration remains unclear.

NM_001378454.1(ALMS1):c.1975A>G (p.Thr659Ala)

Gene: ALMS1 (ALMS1 centrosome and basal body associated protein; plus strand). Cytogenetic location: 2p13.1.
Variant type: single nucleotide variant.
Coding change: c.1975A>G on transcript NM_001378454.1 (MANE Select); coding-DNA position 1975, A replaced by G.
Protein change: p.Thr659Ala; replaces threonine 659 with alanine.
Molecular consequence: missense variant.
Genome position (GRCh38, 1-based): chr2:73,448,502, A>G. VCF-style: chr2-73448502-A-G. GRCh37 (hg19) VCF-style: chr2-73675629-A-G.
Other names: c.1978A>G, p.Thr660Ala (NM_015120.4); short protein forms T660A, T659A.
Identifiers: ClinVar variation 1783741 (VCV001783741.2), dbSNP rs1572931772, ClinGen allele CA347266042.
Genomic context (GRCh38, chr2:73,448,502, plus strand): 5'-AGTAACTTAACCGAAGAGCCTTTGGAAGTTTCAGCTGCTCCTGGCCCAGTGGAGCAGAAG[A>G]CGGGAATACCTACAGTATCCTCTACATCCCACTCACATGTAGAGGACCTCCTCTTTTTCT-3'
Protein context (NP_001365383.1, residues 649-669): SAAPGPVEQK[Thr659Ala]GIPTVSSTSH